The following is an entry in ClinVar:

ClinVar aggregate classification (germline): Uncertain significance (1 of 4 stars; one submission).

Conditions:
Developmental and epileptic encephalopathy, 1 (DEE1). Also called: X-linked infantile spasms; West's syndrome; Tonic spasms with clustering, arrest of psychomotor development and hypsarrhythmia on EEG; X-Linked Infantile Spasm Syndrome; OHTAHARA SYNDROME, X-LINKED; INFANTILE SPASM SYNDROME, X-LINKED 1. Identifiers: MedGen C3463992, MONDO:0010632, OMIM 308350. Disease mechanism: loss of function.
Autosomal dominant nonsyndromic hearing loss 65. Also called: TBC1D24-Related Autosomal Dominant Nonsyndromic Hearing Loss (DFNA); Deafness, autosomal dominant 65. Identifiers: Orphanet 90635, MedGen C3892048, MONDO:0014470, OMIM 616044.

Allele frequency attached by ClinVar (database versions not stated): gnomAD 0.00003 and 0.00002; gnomAD exomes below 0.00001; TOPMed 0.00001.

Submission:

Labcorp Genetics (formerly Invitae), Labcorp
Classification: Uncertain significance for Developmental and epileptic encephalopathy, 1; Autosomal dominant nonsyndromic hearing loss 65. Last evaluated: 2024-12-07. Review status: criteria provided, single submitter. Criteria: Invitae Variant Classification Sherloc (09022015). Collection method: clinical testing. Allele origin: germline.
Comment: This sequence change replaces alanine, which is neutral and non-polar, with valine, which is neutral and non-polar, at codon 337 of the TBC1D24 protein (p.Ala337Val). The frequency data for this variant in the population databases is considered unreliable, as metrics indicate poor data quality at this position in the gnomAD database. This variant has not been reported in the literature in individuals affected with TBC1D24-related conditions. ClinVar contains an entry for this variant (Variation ID: 1387290). Invitae Evidence Modeling of protein sequence and biophysical properties (such as structural, functional, and spatial information, amino acid conservation, physicochemical variation, residue mobility, and thermodynamic stability) indicates that this missense variant is not expected to disrupt TBC1D24 protein function with a negative predictive value of 95%. In summary, the available evidence is currently insufficient to determine the role of this variant in disease. Therefore, it has been classified as a Variant of Uncertain Significance.

NM_001199107.2(TBC1D24):c.1010C>T (p.Ala337Val)

Gene: TBC1D24 (TBC1 domain family member 24; plus strand). Cytogenetic location: 16p13.3.
Variant type: single nucleotide variant.
Coding change: c.1010C>T on transcript NM_001199107.2 (MANE Select); coding-DNA position 1010, C replaced by T.
Protein change: p.Ala337Val; replaces alanine 337 with valine.
Molecular consequence: missense variant.
Genome position (GRCh38, 1-based): chr16:2,498,264, C>T. VCF-style: chr16-2498264-C-T. GRCh37 (hg19) VCF-style: chr16-2548265-C-T.
Other names: c.992C>T, p.Ala331Val (NM_020705.3); short protein forms A337V, A331V.
Identifiers: ClinVar variation 1387290 (VCV001387290.8), dbSNP rs1192131861, ClinGen allele CA394378509.
Genomic context (GRCh38, chr16:2,498,264, plus strand): 5'-CCTTCGGGCTCTGACCCCTGCTCGCTCCCCTCAGGCAGTTTGTACACTTGGCCGTCCATG[C>T]AGAGAACTTCCGCTCGGAGATCGTCAGCGTGAGGGAGATGAGAGACATCTGGTCCTGGGT-3'
Protein context (NP_001186036.1, residues 327-347): KRQFVHLAVH[Ala337Val]ENFRSEIVSV